The following is an entry in ClinVar:

ClinVar aggregate classification (germline): Likely benign. Review status: criteria provided, multiple submitters, no conflicts (2 of 4 stars). 2 submissions from 2 submitters: Likely benign (2). Last evaluated 2018-06-14.

Allele frequency attached by ClinVar (database versions not stated): gnomAD exomes 0.00581; ExAC 0.01038; ESP Exome Variant Server 0.01371; gnomAD 0.01393 and 0.01458; TOPMed 0.01478; 1000 Genomes Project 0.01558; 1000 Genomes Project 30x 0.01624.
gnomAD v4.1: 5,882 of 1,481,914 alleles (0.4%); highest among the groups gnomAD compares: African/African-American, 4.6%; 112 homozygotes.

Submissions (2):

GeneDx
Classification: Likely benign. Last evaluated: 2018-06-14. Review status: criteria provided, single submitter. Criteria: GeneDx Variant Classification (06012015). Collection method: clinical testing. Allele origin: germline. Affected: yes.
Comment: This variant is considered likely benign or benign based on one or more of the following criteria: it is a conservative change, it occurs at a poorly conserved position in the protein, it is predicted to be benign by multiple in silico algorithms, and/or has population frequency not consistent with disease.

Breakthrough Genomics
Classification: Likely benign. Review status: criteria provided, single submitter. Criteria: ACMG Guidelines, 2015. Collection method: not provided. Allele origin: germline. Inheritance: Autosomal dominant inheritance. Affected: yes.

NM_000088.4(COL1A1):c.3424-43C>T

Gene: COL1A1 (collagen type I alpha 1 chain; minus strand). Cytogenetic location: 17q21.33.
Variant type: single nucleotide variant.
Coding change: c.3424-43C>T on transcript NM_000088.4 (MANE Select); 43 bases into the intron before coding-DNA position 3424, C replaced by T.
Molecular consequence: intron variant.
Genome position (GRCh38, 1-based): chr17:50,187,165, G>A on the plus strand (C>T on the coding strand, the complement: COL1A1 is on the minus strand). VCF-style: chr17-50187165-G-A. GRCh37 (hg19) VCF-style: chr17-48264526-G-A.
Identifiers: ClinVar variation 676010 (VCV000676010.2), dbSNP rs41316717, ClinGen allele CA8644447.